The following is an entry in ClinVar:

NM_201253.3(CRB1):c.2833G>C (p.Gly945Arg)

Gene: CRB1 (crumbs cell polarity complex component 1; plus strand). Cytogenetic location: 1q31.3.
Variant type: single nucleotide variant.
Coding change: c.2833G>C on transcript NM_201253.3 (MANE Select); coding-DNA position 2833, G replaced by C.
Protein change: p.Gly945Arg; replaces glycine 945 with arginine.
Molecular consequence: missense variant. On other transcripts: non-coding transcript variant (2), intron variant (1).
Genome position (GRCh38, 1-based): chr1:197,429,605, G>C. VCF-style: chr1-197429605-G-C. GRCh37 (hg19) VCF-style: chr1-197398735-G-C.
Other names: c.2497G>C, p.Gly833Arg (NM_001193640.2); c.2761G>C, p.Gly921Arg (NM_001257965.2); c.2129-5995G>C (NM_001257966.2); short protein forms G921R, G945R, G833R.
Identifiers: ClinVar variation 2093427 (VCV002093427.4), dbSNP rs749746650, ClinGen allele CA344041381.
Genomic context (GRCh38, chr1:197,429,605, plus strand): 5'-GTTCAGTGGTGTGGATTCAGCCCGTGTCCTCACGGAGCCCAGTGCCAGCCGGTGCTTCAA[G>C]GATTTGAATGTAGGTAGAGTTCAAACCTACCATCTCACCAGTTAAGTTGCGACATTTGAG-3'
Protein context (NP_957705.1, residues 935-955): HGAQCQPVLQ[Gly945Arg]FECIANAVFN

ClinVar aggregate classification (germline): Likely pathogenic (1 of 4 stars; one submission).

Conditions:
Retinitis pigmentosa 12 (RP12). Also called: RP WITH OR WITHOUT PRESERVED PARAARTERIOLE RETINAL PIGMENT EPITHELIUM; RETINITIS PIGMENTOSA WITH OR WITHOUT PARAARTERIOLAR PRESERVATION OF RETINAL PIGMENT EPITHELIUM; RP WITH OR WITHOUT PPRPE. Identifiers: Orphanet 791, MedGen C1838647, MONDO:0010818, OMIM 600105.
Leber congenital amaurosis 8 (LCA8). Identifiers: Orphanet 65, MedGen C3151202, MONDO:0013453, OMIM 613835.

Submission:

Labcorp Genetics (formerly Invitae), Labcorp
Classification: Likely pathogenic for Leber congenital amaurosis 8; Retinitis pigmentosa 12. Last evaluated: 2022-02-05. Review status: criteria provided, single submitter. Criteria: Invitae Variant Classification Sherloc (09022015). Collection method: clinical testing. Allele origin: germline.
Comment: This sequence change replaces glycine, which is neutral and non-polar, with arginine, which is basic and polar, at codon 945 of the CRB1 protein (p.Gly945Arg). This variant is not present in population databases (gnomAD no frequency). This missense change has been observed in individuals with clinical features of inherited retinal disease (PMID: 27208204; Invitae). Advanced modeling of protein sequence and biophysical properties (such as structural, functional, and spatial information, amino acid conservation, physicochemical variation, residue mobility, and thermodynamic stability) performed at Invitae indicates that this missense variant is expected to disrupt CRB1 protein function. In summary, the currently available evidence indicates that the variant is pathogenic, but additional data are needed to prove that conclusively. Therefore, this variant has been classified as Likely Pathogenic.

Literature cited by the submitters: PubMed 27208204.